The following is an entry in ClinVar:

ClinVar aggregate classification (germline): Uncertain significance. Review status: criteria provided, multiple submitters, no conflicts (2 of 4 stars). 3 submissions from 3 submitters: Uncertain significance (2). 1 of the submissions does not count toward it. Last evaluated 2022-07-06.

Conditions:
Autosomal recessive limb-girdle muscular dystrophy type 2F (LGMDR6). Also called: MUSCULAR DYSTROPHY, LIMB-GIRDLE, AUTOSOMAL RECESSIVE 6; Muscular dystrophy limb-girdle with delta-sarcoglyan deficiency. Identifiers: Orphanet 219, MedGen C1832525, MONDO:0011028, OMIM 601287. Disease mechanism: Affects gamma-sarcoglycan and also disrupts the integrity of the entire sarcoglycan complex..
SGCD-related disorder. Also called: SGCD-related condition.

Allele frequency attached by ClinVar (database versions not stated): gnomAD 0.00001; gnomAD exomes 0.00001; TOPMed 0.00002; ExAC 0.00006.
gnomAD v4.1: 14 of 1,585,406 alleles (0.00088%); highest among the groups gnomAD compares: African/African-American, 0.0013%; no homozygotes.

Submissions (3):

Labcorp Genetics (formerly Invitae), Labcorp
Classification: Uncertain significance for Autosomal recessive limb-girdle muscular dystrophy type 2F. Last evaluated: 2022-07-06. Review status: criteria provided, single submitter. Criteria: Invitae Variant Classification Sherloc (09022015). Collection method: clinical testing. Allele origin: germline.
Comment: This sequence change replaces valine, which is neutral and non-polar, with isoleucine, which is neutral and non-polar, at codon 183 of the SGCD protein (p.Val183Ile). The frequency data for this variant in the population databases is considered unreliable, as metrics indicate poor data quality at this position in the gnomAD database. This variant has not been reported in the literature in individuals affected with SGCD-related conditions. ClinVar contains an entry for this variant (Variation ID: 660884). Algorithms developed to predict the effect of missense changes on protein structure and function are either unavailable or do not agree on the potential impact of this missense change (SIFT: "Deleterious"; PolyPhen-2: "Benign"; Align-GVGD: "Class C0"). In summary, the available evidence is currently insufficient to determine the role of this variant in disease. Therefore, it has been classified as a Variant of Uncertain Significance.

Revvity Omics, Revvity
Classification: Uncertain significance. Last evaluated: 2019-11-26. Review status: criteria provided, single submitter. Criteria: ACMG Guidelines, 2015. Collection method: clinical testing. Allele origin: germline.

PreventionGenetics, part of Exact Sciences
Classification: Uncertain significance for SGCD-related condition. Last evaluated: 2024-08-12. Review status: no assertion criteria provided. Collection method: clinical testing. Allele origin: germline. Not counted in ClinVar's aggregate classification.
Comment: The SGCD c.547G>A variant is predicted to result in the amino acid substitution p.Val183Ile. To our knowledge, this variant has not been reported in the literature. This variant is reported in 0.0022% of alleles in individuals of European (Non-Finnish) descent in gnomAD. At this time, the clinical significance of this variant is uncertain due to the absence of conclusive functional and genetic evidence.

NM_000337.6(SGCD):c.547G>A (p.Val183Ile)

Gene: SGCD (sarcoglycan delta; plus strand). Cytogenetic location: 5q33.3.
Variant type: single nucleotide variant.
Coding change: c.547G>A on transcript NM_000337.6 (MANE Select); coding-DNA position 547, G replaced by A.
Protein change: p.Val183Ile; replaces valine 183 with isoleucine.
Molecular consequence: missense variant.
Genome position (GRCh38, 1-based): chr5:156,647,508, G>A. VCF-style: chr5-156647508-G-A. GRCh37 (hg19) VCF-style: chr5-156074518-G-A.
Other names: c.544G>A, p.Val182Ile (NM_001128209.2); c.547G>A, p.Val183Ile (NM_172244.3); short protein forms V182I, V183I.
Identifiers: ClinVar variation 660884 (VCV000660884.11), dbSNP rs751421543, ClinGen allele CA3530626.